The following is an entry in ClinVar:

NM_002519.3(NPAT):c.312G>T (p.Arg104Ser)

Gene: NPAT (nuclear protein, coactivator of histone transcription; minus strand). Cytogenetic location: 11q22.3.
Variant type: single nucleotide variant.
Coding change: c.312G>T on transcript NM_002519.3 (MANE Select); coding-DNA position 312, G replaced by T.
Protein change: p.Arg104Ser; replaces arginine 104 with serine.
Molecular consequence: missense variant.
Genome position (GRCh38, 1-based): chr11:108,190,479, C>A on the plus strand (G>T on the coding strand, the complement: NPAT is on the minus strand). VCF-style: chr11-108190479-C-A. GRCh37 (hg19) VCF-style: chr11-108061206-C-A.
Other names: c.312G>T, p.Arg104Ser (NM_001321307.1); short protein forms R104S.
Identifiers: ClinVar variation 1727950 (VCV001727950.6), dbSNP rs1414261612, ClinGen allele CA382526294.

ClinVar aggregate classification (germline): Uncertain significance. Review status: criteria provided, multiple submitters, no conflicts (2 of 4 stars). 2 submissions from 2 submitters: Uncertain significance (2). Last evaluated 2024-06-19.

Allele frequency attached by ClinVar (database versions not stated): TOPMed below 0.00001; gnomAD 0.00001.
gnomAD v4.1: 1 of 1,613,820 alleles (0.000062%); highest among the groups gnomAD compares: Non-Finnish European, 0.000085%; no homozygotes.

Submissions (2):

Ambry Genetics
Classification: Uncertain significance. Last evaluated: 2024-06-19. Review status: criteria provided, single submitter. Criteria: Ambry Variant Classification Scheme 2023. Collection method: clinical testing. Allele origin: germline.
Comment: The p.R104S variant (also known as c.312G>T), located in coding exon 5 of the NPAT gene, results from a G to T substitution at nucleotide position 312. The arginine at codon 104 is replaced by serine, an amino acid with dissimilar properties. This amino acid position is conserved. In addition, this alteration is predicted to be tolerated by in silico analysis. Since supporting evidence is limited at this time, the clinical significance of this alteration remains unclear.

Labcorp Genetics (formerly Invitae), Labcorp
Classification: Uncertain significance. Last evaluated: 2023-05-22. Review status: criteria provided, single submitter. Criteria: Invitae Variant Classification Sherloc (09022015). Collection method: clinical testing. Allele origin: germline.
Comment: In summary, the available evidence is currently insufficient to determine the role of this variant in disease. Therefore, it has been classified as a Variant of Uncertain Significance. An algorithm developed to predict the effect of missense changes on protein structure and function (PolyPhen-2) suggests that this variant is likely to be tolerated. ClinVar contains an entry for this variant (Variation ID: 1727950). This variant has not been reported in the literature in individuals affected with NPAT-related conditions. This variant is not present in population databases (gnomAD no frequency). This sequence change replaces arginine, which is basic and polar, with serine, which is neutral and polar, at codon 104 of the NPAT protein (p.Arg104Ser).